The following is an entry in ClinVar:

ClinVar aggregate classification (germline): Uncertain significance (1 of 4 stars; one submission).

Submission:

Ambry Genetics
Classification: Uncertain significance. Last evaluated: 2023-12-14. Review status: criteria provided, single submitter. Criteria: Ambry Variant Classification Scheme 2023. Collection method: clinical testing. Allele origin: germline.
Comment: The p.E119K variant (also known as c.355G>A), located in coding exon 6 of the NPAT gene, results from a G to A substitution at nucleotide position 355. The glutamic acid at codon 119 is replaced by lysine, an amino acid with similar properties. This amino acid position is conserved. In addition, this alteration is predicted to be tolerated by in silico analysis. Since supporting evidence is limited at this time, the clinical significance of this alteration remains unclear.

NM_002519.3(NPAT):c.355G>A (p.Glu119Lys)

Gene: NPAT (nuclear protein, coactivator of histone transcription; minus strand). Cytogenetic location: 11q22.3.
Variant type: single nucleotide variant.
Coding change: c.355G>A on transcript NM_002519.3 (MANE Select); coding-DNA position 355, G replaced by A.
Protein change: p.Glu119Lys; replaces glutamic acid 119 with lysine.
Molecular consequence: missense variant.
Genome position (GRCh38, 1-based): chr11:108,189,307, C>T on the plus strand (G>A on the coding strand, the complement: NPAT is on the minus strand). VCF-style: chr11-108189307-C-T. GRCh37 (hg19) VCF-style: chr11-108060034-C-T.
Other names: c.355G>A, p.Glu119Lys (NM_001321307.1); short protein forms E119K.
Identifiers: ClinVar variation 3222597 (VCV003222597.1), dbSNP rs2496745931, ClinGen allele CA382525423.